The following is an entry in ClinVar:

NM_004958.4(MTOR):c.5714+12G>C

Gene: MTOR (mechanistic target of rapamycin kinase; minus strand). Cytogenetic location: 1p36.22.
Variant type: single nucleotide variant.
Coding change: c.5714+12G>C on transcript NM_004958.4 (MANE Select); 12 bases into the intron after coding-DNA position 5714, G replaced by C.
Molecular consequence: intron variant.
Genome position (GRCh38, 1-based): chr1:11,129,726, C>G on the plus strand (G>C on the coding strand, the complement: MTOR is on the minus strand). VCF-style: chr1-11129726-C-G. GRCh37 (hg19) VCF-style: chr1-11189783-C-G.
Other names: c.4466+12G>C (NM_001386501.1); c.5714+12G>C (NM_001386500.1).
Identifiers: ClinVar variation 2878915 (VCV002878915.3), dbSNP rs2100423127, ClinGen allele CA2643242282.

ClinVar aggregate classification (germline): Uncertain significance (1 of 4 stars; one submission).

Allele frequency attached by ClinVar (database versions not stated): gnomAD exomes below 0.00001.
gnomAD v4.1: 2 of 1,611,842 alleles (0.00012%); highest among the groups gnomAD compares: African/African-American, 0.0027%; no homozygotes.

Submission:

Labcorp Genetics (formerly Invitae), Labcorp
Classification: Uncertain significance. Last evaluated: 2023-03-24. Review status: criteria provided, single submitter. Criteria: Invitae Variant Classification Sherloc (09022015). Collection method: clinical testing. Allele origin: germline.
Comment: In summary, the available evidence is currently insufficient to determine the role of this variant in disease. Therefore, it has been classified as a Variant of Uncertain Significance. Algorithms developed to predict the effect of sequence changes on RNA splicing suggest that this variant may create or strengthen a splice site. This variant has not been reported in the literature in individuals affected with MTOR-related conditions. This variant is not present in population databases (gnomAD no frequency). This sequence change falls in intron 40 of the MTOR gene. It does not directly change the encoded amino acid sequence of the MTOR protein.